The following is an entry in ClinVar:

ClinVar aggregate classification (germline): Uncertain significance. Review status: criteria provided, multiple submitters, no conflicts (2 of 4 stars). 2 submissions from 2 submitters: Uncertain significance (2). Last evaluated 2025-07-31.

Conditions:
Inborn genetic diseases. Identifiers: MedGen C0950123, MeSH D030342.

Allele frequency attached by ClinVar (database versions not stated): ExAC 0.00001; gnomAD exomes 0.00001.
gnomAD v4.1: 8 of 1,614,052 alleles (0.0005%); highest among the groups gnomAD compares: South Asian, 0.0088%; no homozygotes.

Submissions (2):

Ambry Genetics
Classification: Uncertain significance for Inborn genetic diseases. Last evaluated: 2025-07-31. Review status: criteria provided, single submitter. Criteria: Ambry Variant Classification Scheme 2023. Collection method: clinical testing. Allele origin: germline.

Labcorp Genetics (formerly Invitae), Labcorp
Classification: Uncertain significance. Last evaluated: 2022-08-08. Review status: criteria provided, single submitter. Criteria: Invitae Variant Classification Sherloc (09022015). Collection method: clinical testing. Allele origin: germline.
Comment: This sequence change replaces cysteine, which is neutral and slightly polar, with arginine, which is basic and polar, at codon 1112 of the NBAS protein (p.Cys1112Arg). This variant is present in population databases (rs759808885, gnomAD 0.003%). This variant has not been reported in the literature in individuals affected with NBAS-related conditions. Algorithms developed to predict the effect of missense changes on protein structure and function (SIFT, PolyPhen-2, Align-GVGD) all suggest that this variant is likely to be disruptive. In summary, the available evidence is currently insufficient to determine the role of this variant in disease. Therefore, it has been classified as a Variant of Uncertain Significance.

NM_015909.4(NBAS):c.3334T>C (p.Cys1112Arg)

Gene: NBAS (NBAS subunit of NRZ tethering complex; minus strand). Cytogenetic location: 2p24.3.
Variant type: single nucleotide variant.
Coding change: c.3334T>C on transcript NM_015909.4 (MANE Select); coding-DNA position 3334, T replaced by C.
Protein change: p.Cys1112Arg; replaces cysteine 1112 with arginine.
Molecular consequence: missense variant. On other transcripts: non-coding transcript variant (1).
Genome position (GRCh38, 1-based): chr2:15,383,241, A>G on the plus strand (T>C on the coding strand, the complement: NBAS is on the minus strand). VCF-style: chr2-15383241-A-G. GRCh37 (hg19) VCF-style: chr2-15523365-A-G.
Other names: c.3334T>C (NM_015909.2); short protein forms C1112R.
Identifiers: ClinVar variation 1942632 (VCV001942632.3), dbSNP rs759808885, ClinGen allele CA1536066.